The following is an entry in ClinVar:

NM_002691.4(POLD1):c.269A>G (p.Gln90Arg)

Gene: POLD1 (DNA polymerase delta 1, catalytic subunit; plus strand). Cytogenetic location: 19q13.33.
Variant type: single nucleotide variant.
Coding change: c.269A>G on transcript NM_002691.4 (MANE Select); coding-DNA position 269, A replaced by G.
Protein change: p.Gln90Arg; replaces glutamine 90 with arginine.
Molecular consequence: missense variant. On other transcripts: non-coding transcript variant (1).
Genome position (GRCh38, 1-based): chr19:50,399,437, A>G. VCF-style: chr19-50399437-A-G. GRCh37 (hg19) VCF-style: chr19-50902694-A-G.
Other names: c.269A>G, p.Gln90Arg (NM_001256849.1, NM_001308632.1); c.269A>G (NM_002691.2); short protein forms Q90R.
Identifiers: ClinVar variation 469286 (VCV000469286.16), dbSNP rs778838312, ClinGen allele CA406970529.

ClinVar aggregate classification (germline): Uncertain significance. Review status: criteria provided, multiple submitters, no conflicts (2 of 4 stars). 4 submissions from 4 submitters: Uncertain significance (3). 1 of the submissions does not count toward it. Last evaluated 2025-11-09.

Conditions:
POLD1-related polyposis and colorectal cancer syndrome (CRCS10). Also called: Colorectal cancer 10; COLORECTAL CANCER, SUSCEPTIBILITY TO, ON CHROMOSOME 19q; Colorectal cancer, susceptibility to, 10. Identifiers: Orphanet 220460, MedGen C2675481, MONDO:0012953, OMIM 612591.
Hereditary cancer-predisposing syndrome. Also called: Neoplastic Syndromes, Hereditary; Hereditary neoplastic syndrome; Tumor predisposition; Hereditary Cancer Syndrome. Identifiers: Orphanet 140162, MedGen C0027672, MeSH D009386, MONDO:0015356.

gnomAD v4.1: 8 of 1,614,008 alleles (0.0005%); highest among the groups gnomAD compares: Non-Finnish European, 0.00059%; no homozygotes.

Submissions (4):

Ambry Genetics
Classification: Uncertain significance for Hereditary cancer-predisposing syndrome. Last evaluated: 2025-11-09. Review status: criteria provided, single submitter. Criteria: Ambry Variant Classification Scheme 2023. Collection method: clinical testing. Allele origin: germline.
Comment: The p.Q90R variant (also known as c.269A>G), located in coding exon 2 of the POLD1 gene, results from an A to G substitution at nucleotide position 269. The glutamine at codon 90 is replaced by arginine, an amino acid with highly similar properties. This amino acid position is conserved. In addition, this alteration is predicted to be tolerated by in silico analysis. Since supporting evidence is limited at this time, the clinical significance of this alteration remains unclear.

Labcorp Genetics (formerly Invitae), Labcorp
Classification: Uncertain significance for POLD1-related polyposis and colorectal cancer syndrome. Last evaluated: 2025-01-06. Review status: criteria provided, single submitter. Criteria: Invitae Variant Classification Sherloc (09022015). Collection method: clinical testing. Allele origin: germline.
Comment: This sequence change replaces glutamine, which is neutral and polar, with arginine, which is basic and polar, at codon 90 of the POLD1 protein (p.Gln90Arg). This variant is present in population databases (no rsID available, gnomAD 0.0009%). This variant has not been reported in the literature in individuals affected with POLD1-related conditions. ClinVar contains an entry for this variant (Variation ID: 469286). Invitae Evidence Modeling of protein sequence and biophysical properties (such as structural, functional, and spatial information, amino acid conservation, physicochemical variation, residue mobility, and thermodynamic stability) indicates that this missense variant is not expected to disrupt POLD1 protein function with a negative predictive value of 80%. In summary, the available evidence is currently insufficient to determine the role of this variant in disease. Therefore, it has been classified as a Variant of Uncertain Significance.

GeneDx
Classification: Uncertain significance. Last evaluated: 2020-08-04. Review status: criteria provided, single submitter. Criteria: GeneDx Variant Classification Process June 2021. Collection method: clinical testing. Allele origin: germline. Affected: yes.
Comment: Not observed at a significant frequency in large population cohorts (Lek 2016); In silico analysis supports that this missense variant does not alter protein structure/function; Has not been previously published as pathogenic or benign to our knowledge

Counsyl
Classification: Uncertain significance for POLD1-related polyposis and colorectal cancer syndrome. Last evaluated: 2018-04-24. Review status: no assertion criteria provided. Collection method: clinical testing. Allele origin: unknown. Not counted in ClinVar's aggregate classification.